The following is an entry in ClinVar:

ClinVar aggregate classification (germline): Uncertain significance (1 of 4 stars; one submission).

Submission:

CeGaT Center for Human Genetics Tuebingen
Classification: Uncertain significance. Last evaluated: 2025-03-01. Review status: criteria provided, single submitter. Criteria: CeGaT Center For Human Genetics Tuebingen Variant Classification Criteria Version 2. Collection method: clinical testing. Allele origin: germline. Affected: yes. Observed: 1 variant allele.
Comment: CHD5: PM2, PP3

NM_015557.3(CHD5):c.5690G>C (p.Arg1897Pro)

Gene: CHD5 (chromodomain helicase DNA binding protein 5; minus strand). Cytogenetic location: 1p36.31.
Variant type: single nucleotide variant.
Coding change: c.5690G>C on transcript NM_015557.3 (MANE Select); coding-DNA position 5690, G replaced by C.
Protein change: p.Arg1897Pro; replaces arginine 1897 with proline.
Molecular consequence: missense variant.
Genome position (GRCh38, 1-based): chr1:6,106,668, C>G on the plus strand (G>C on the coding strand, the complement: CHD5 is on the minus strand). VCF-style: chr1-6106668-C-G. GRCh37 (hg19) VCF-style: chr1-6166728-C-G.
Other names: short protein forms R1897P.
Identifiers: ClinVar variation 3778282 (VCV003778282.7).